The following is an entry in ClinVar:

ClinVar aggregate classification (germline): Benign/Likely benign. Review status: criteria provided, multiple submitters, no conflicts (2 of 4 stars). 6 submissions from 6 submitters: Benign (4); Likely benign (1). 1 of the submissions does not count toward it. Last evaluated 2024-11-27.

Conditions:
PIGA-related disorder. Also called: PIGA-related condition.

Allele frequency attached by ClinVar (database versions not stated): gnomAD exomes 0.00110; ExAC 0.00144; 1000 Genomes Project 0.00371; 1000 Genomes Project 30x 0.00375; ESP Exome Variant Server 0.00464; TOPMed 0.00480.

Submissions (6):

Blueprint Genetics
Classification: Likely benign. Last evaluated: 2024-11-27. Review status: criteria provided, single submitter. Criteria: ACMG Guidelines, 2015. Collection method: clinical testing. Allele origin: germline.

Mayo Clinic Laboratories, Mayo Clinic
Classification: Benign. Last evaluated: 2024-11-12. Review status: criteria provided, single submitter. Criteria: ACMG Guidelines, 2015. Collection method: clinical testing. Allele origin: germline. Observed: 4 variant alleles.
Comment: BS1, BS2, BP4, BP7

Athena Diagnostics
Classification: Benign. Last evaluated: 2019-04-30. Review status: criteria provided, single submitter. Criteria: Athena Diagnostics Criteria. Collection method: clinical testing. Allele origin: germline.

GeneDx
Classification: Benign. Last evaluated: 2016-02-26. Review status: criteria provided, single submitter. Criteria: GeneDx Variant Classification (06012015). Collection method: clinical testing. Allele origin: germline. Affected: yes.
Comment: This variant is considered likely benign or benign based on one or more of the following criteria: it is a conservative change, it occurs at a poorly conserved position in the protein, it is predicted to be benign by multiple in silico algorithms, and/or has population frequency not consistent with disease.

Breakthrough Genomics
Classification: Benign. Review status: criteria provided, single submitter. Criteria: ACMG Guidelines, 2015. Collection method: not provided. Allele origin: germline. Inheritance: X-linked inheritance. Affected: yes.

PreventionGenetics, part of Exact Sciences
Classification: Likely benign for PIGA-related condition. Last evaluated: 2021-08-04. Review status: no assertion criteria provided. Collection method: clinical testing. Allele origin: germline. Not counted in ClinVar's aggregate classification.
Comment: This variant is classified as likely benign based on ACMG/AMP sequence variant interpretation guidelines (Richards et al. 2015 PMID: 25741868, with internal and published modifications).

NM_002641.4(PIGA):c.*7G>T

Gene: PIGA (phosphatidylinositol glycan anchor biosynthesis class A; minus strand). Cytogenetic location: Xp22.2.
Variant type: single nucleotide variant.
Coding change: c.*7G>T on transcript NM_002641.4 (MANE Select); 7 bases downstream of the stop codon, G replaced by T.
Molecular consequence: 3 prime UTR variant. On other transcripts: non-coding transcript variant (2).
Genome position (GRCh38, 1-based): chrX:15,321,499, C>A on the plus strand (G>T on the coding strand, the complement: PIGA is on the minus strand). VCF-style: chrX-15321499-C-A. GRCh37 (hg19) VCF-style: chrX-15339621-C-A.
Other names: c.*7G>T (NM_020473.3).
Identifiers: ClinVar variation 383130 (VCV000383130.7), dbSNP rs142178534, ClinGen allele CA10354041.